The following is an entry in ClinVar:

NM_130797.4(DPP6):c.627+21020C>T

Gene: DPP6 (dipeptidyl peptidase like 6; plus strand). Cytogenetic location: 7q36.2.
Variant type: single nucleotide variant.
Coding change: c.627+21020C>T on transcript NM_130797.4 (MANE Select); 21020 bases into the intron after coding-DNA position 627, C replaced by T.
Molecular consequence: genic downstream transcript variant. On other transcripts: missense variant (1), 3 prime UTR variant (1).
Genome position (GRCh38, 1-based): chr7:154,587,936, C>T. VCF-style: chr7-154587936-C-T. GRCh37 (hg19) VCF-style: chr7-154379646-C-T.
Other names: c.914C>T, p.Thr305Ile (NM_001290253.2); c.*762C>T (NM_001364502.2); c.444+21020C>T (NM_001364500.2, NM_001364499.2, NM_001364497.2 and 1 more transcripts); c.435+21020C>T (NM_001364501.2, NM_001039350.3); c.441+21020C>T (NM_001936.5, NM_001290252.2); short protein forms T305I.
Identifiers: ClinVar variation 3043174 (VCV003043174.2), dbSNP rs142196461, ClinGen allele CA4583203.

ClinVar aggregate classification (germline): Benign (0 of 4 stars; one submission).

Conditions:
DPP6-related disorder. Also called: DPP6-related condition.

Allele frequency attached by ClinVar (database versions not stated): gnomAD exomes 0.00022; ExAC 0.00058; 1000 Genomes Project 0.00160; ESP Exome Variant Server 0.00174; gnomAD 0.00180; 1000 Genomes Project 30x 0.00187; TOPMed 0.00227.
gnomAD v4.1: 613 of 1,612,938 alleles (0.038%); highest among the groups gnomAD compares: African/African-American, 0.63%; 3 homozygotes.

Submission:

PreventionGenetics, part of Exact Sciences
Classification: Benign for DPP6-related condition. Last evaluated: 2019-06-26. Review status: no assertion criteria provided. Collection method: clinical testing. Allele origin: germline.
Comment: This variant is classified as benign based on ACMG/AMP sequence variant interpretation guidelines (Richards et al. 2015 PMID: 25741868, with internal and published modifications).